The following is an entry in ClinVar:

NM_006231.4(POLE):c.1107-16C>T

Gene: POLE (DNA polymerase epsilon, catalytic subunit; minus strand). Cytogenetic location: 12q24.33.
Variant type: single nucleotide variant.
Coding change: c.1107-16C>T on transcript NM_006231.4 (MANE Select); 16 bases into the intron before coding-DNA position 1107, C replaced by T.
Molecular consequence: intron variant.
Genome position (GRCh38, 1-based): chr12:132,675,533, G>A on the plus strand (C>T on the coding strand, the complement: POLE is on the minus strand). VCF-style: chr12-132675533-G-A. GRCh37 (hg19) VCF-style: chr12-133252119-G-A.
Identifiers: ClinVar variation 1451361 (VCV001451361.9), dbSNP rs769766248, ClinGen allele CA6894072.

ClinVar aggregate classification (germline): Likely benign. Review status: criteria provided, multiple submitters, no conflicts (2 of 4 stars). 2 submissions from 2 submitters: Likely benign (2). Last evaluated 2026-02-03.

Conditions:
Colorectal cancer, susceptibility to, 12 (CRCS12). Also called: COLORECTAL CANCER, SUSCEPTIBILITY TO, ON CHROMOSOME 12q24. Identifiers: Orphanet 220460, MedGen C3554460, MONDO:0014038, OMIM 615083.

Allele frequency attached by ClinVar (database versions not stated): TOPMed 0.00001; ExAC 0.00002; gnomAD exomes 0.00002.

Submissions (2):

Labcorp Genetics (formerly Invitae), Labcorp
Classification: Likely benign. Last evaluated: 2026-02-03. Review status: criteria provided, single submitter. Criteria: Invitae Variant Classification Sherloc (09022015). Collection method: clinical testing. Allele origin: germline.

Myriad Genetics, Inc.
Classification: Likely benign for Colorectal cancer, susceptibility to, 12. Last evaluated: 2025-02-10. Review status: criteria provided, single submitter. Criteria: Myriad Autosomal Dominant, Autosomal Recessive and X-Linked Classification Criteria (2023). Collection method: clinical testing. Allele origin: unknown.
Comment: This variant is considered likely benign. This variant is intronic and is not expected to impact mRNA splicing.